The following is an entry in ClinVar:

ClinVar aggregate classification (germline): Conflicting classifications of pathogenicity. Review status: criteria provided, conflicting classifications (1 of 4 stars). 12 submissions from 12 submitters: Uncertain significance (1); Benign (4); Likely benign (6). 1 of the submissions does not count toward it. Last evaluated 2026-02-04.

Conditions:
Hereditary cancer-predisposing syndrome. Also called: Tumor predisposition; Hereditary Cancer Syndrome; Hereditary neoplastic syndrome; Neoplastic Syndromes, Hereditary. Identifiers: Orphanet 140162, MedGen C0027672, MeSH D009386, MONDO:0015356.
Hereditary breast ovarian cancer syndrome. Also called: Breast and ovarian cancer; Hereditary breast and ovarian cancer syndrome; Hereditary breast and ovarian cancer; BRCA1- and BRCA2-Associated Hereditary Breast and Ovarian Cancer; Hereditary breast and ovarian cancer syndrome (HBOC); Hereditary breast and/or ovarian cancer syndrome. Identifiers: Orphanet 145, MedGen C0677776, MeSH D061325, MONDO:0003582. Disease mechanism: loss of function.
Microcephaly, normal intelligence and immunodeficiency (NBS). Also called: IMMUNODEFICIENCY, MICROCEPHALY, AND CHROMOSOMAL INSTABILITY; SEEMANOVA SYNDROME II; Nijmegen breakage syndrome; Microcephaly with normal intelligence immunodeficiency and lymphoreticular malignancies; Nonsyndromal microcephaly autosomal recessive with normal intelligence; Seemanova syndrome 2. Identifiers: Orphanet 647, MedGen C0398791, MONDO:0009623, OMIM 251260.
Malignant tumor of breast. Also called: Cancer breast; Malignant breast neoplasm. Identifiers: MedGen C0006142, MONDO:0007254. Disease mechanism: loss of function.

Allele frequency attached by ClinVar (database versions not stated): gnomAD exomes 0.00012 and 0.00038; gnomAD 0.00014 and 0.00018; TOPMed 0.00025; ExAC 0.00032; 1000 Genomes Project 30x 0.00047; 1000 Genomes Project 0.00060.
gnomAD v4.1: 210 of 1,612,950 alleles (0.013%); highest among the groups gnomAD compares: East Asian, 0.4%; 2 homozygotes.

Submissions (14):

Labcorp Genetics (formerly Invitae), Labcorp
Classification: Benign for Microcephaly, normal intelligence and immunodeficiency. Last evaluated: 2026-02-04. Review status: criteria provided, single submitter. Criteria: Invitae Variant Classification Sherloc (09022015). Collection method: clinical testing. Allele origin: germline.

ARUP Laboratories, Molecular Genetics and Genomics, ARUP Laboratories
Classification: Likely benign. Last evaluated: 2025-02-07. Review status: criteria provided, single submitter. Criteria: ARUP Molecular Germline Variant Investigation Process 2024. Collection method: clinical testing. Allele origin: germline.

Quest Diagnostics Nichols Institute San Juan Capistrano
Classification: Likely benign. Last evaluated: 2025-01-23. Review status: criteria provided, single submitter. Criteria: Quest Diagnostics criteria. Collection method: clinical testing. Allele origin: unknown.

Genome-Nilou Lab
Classification: Benign for Microcephaly, normal intelligence and immunodeficiency. Last evaluated: 2021-11-07. Review status: criteria provided, single submitter. Criteria: ACMG Guidelines, 2015. Collection method: clinical testing. Allele origin: germline. Affected: no.

Ambry Genetics
Classification: Likely benign for Hereditary cancer-predisposing syndrome. Last evaluated: 2021-08-02. Review status: criteria provided, single submitter. Criteria: Ambry Variant Classification Scheme 2023. Collection method: clinical testing. Allele origin: germline.

GeneDx
Classification: Likely benign. Last evaluated: 2021-01-28. Review status: criteria provided, single submitter. Criteria: GeneDx Variant Classification Process June 2021. Collection method: clinical testing. Allele origin: germline. Affected: yes.
Comment: This variant is associated with the following publications: (PMID: 24349281, 25712764, 26315354, 23555315, 30942098, 32668560)

Sema4
Classification: Benign for Hereditary cancer-predisposing syndrome. Last evaluated: 2020-12-15. Review status: criteria provided, single submitter. Criteria: Sema4 Curation Guidelines. Collection method: curation. Allele origin: germline.

Cancer Genomics Group, Japanese Foundation For Cancer Research
Classification: Likely benign for Hereditary breast and ovarian cancer syndrome. Last evaluated: 2019-05-01. Review status: criteria provided, single submitter. Criteria: ACMG Guidelines, 2015. Collection method: research. Allele origin: germline. Affected: yes.

Women's Health and Genetics/Laboratory Corporation of America, LabCorp
Classification: Benign. Last evaluated: 2017-06-05. Review status: criteria provided, single submitter. Criteria: LabCorp Variant Classification Summary - May 2015. Collection method: clinical testing. Allele origin: germline.
Comment: Variant summary: The NBN c.1809C>A (p.Phe603Leu) variant causes a missense change involving the alteration of a non-conserved nucleotide. 5/5 in silico tools predict a benign outcome for this variant. This variant was found in 40/128334 control chromosomes, predominantly observed in the East Asian subpopulation at a frequency of 0.004161 (36/8652). This frequency is about 33 times the estimated maximal expected allele frequency of a pathogenic NBN variant (0.000125), suggesting this is likely a benign polymorphism found primarily in the populations of East Asian origin. his variant was reported in two studies in non-BRCA1/2 Korean patients with high-risk breast cancer and European populations with high risk of ovarian cancer, but was also observed in controls (Kim_FC_2015, Ramus_NBN1_JNCI_2015). In addition, multiple clinical diagnostic laboratories/reputable databases classified this variant as likely benign/benign. Taken together, this variant is classified as benign.

Illumina Laboratory Services, Illumina
Classification: Uncertain significance for Microcephaly, normal intelligence and immunodeficiency. Last evaluated: 2017-04-28. Review status: criteria provided, single submitter. Criteria: ICSL Variant Classification Criteria 13 December 2019. Collection method: clinical testing. Allele origin: germline.
Comment: This variant was observed as part of a predisposition screen in an ostensibly healthy population. A literature search was performed for the gene, cDNA change, and amino acid change (where applicable). Publications were found based on this search. However, the evidence from the literature, in combination with allele frequency data from public databases where available, was not sufficient to rule this variant in or out of causing disease. Therefore, this variant is classified as a variant of unknown significance.

Eurofins Ntd Llc (ga)
Classification: Likely benign. Last evaluated: 2017-04-17. Review status: criteria provided, single submitter. Criteria: EGL Classification Definitions 2015. Collection method: clinical testing. Allele origin: germline. Observed: 1 variant allele, 1 heterozygote.

Department of Pathology and Laboratory Medicine, Sinai Health System
Classification: Likely benign for Malignant tumor of breast. Review status: no assertion criteria provided. Collection method: clinical testing. Allele origin: unknown. Affected: yes. Study: The Canadian Open Genetics Repository (COGR). Not counted in ClinVar's aggregate classification.
Comment: The NBN p.Phe603Leu variant was identified in 7 of 7106 proband chromosomes (frequency: 0.001) from individuals or families with hepatocellular carcinoma, breast or ovarian cancer (Kim 2015, Ramus 2015, Wang 2013). The variant was also identified in dbSNP (ID: rs192236678) as "With Likely benign allele ", ClinVar (classified as benign by Invitae, Integrated Genetics/Laboratory Corporation of America; as likely bening by Ambry Genetics, GeneDx, and two clinical laboratories), and in LOVD 3.0 (1x) databases. The variant was not identified in Cosmic, or Zhejiang University databases. The variant was identified in control databases in 102 of 276468 chromosomes at a frequency of 0.0004 increasing the likelihood this could be a low frequency benign variant (Genome Aggregation Database Feb 27, 2017). The variant was observed in the following populations: East Asian in 98 of 18856 chromosomes (freq: 0.005), and South Asian in 4 of 30768 chromosomes (freq: 0.0001), while the variant was not observed in the African, Other, Latino, European, Ashkenazi Jewish, and Finnish populations. The p.Phe603 residue is not conserved in mammals and computational analyses (PolyPhen-2, SIFT, AlignGVGD, BLOSUM, MutationTaster) do not suggest a high likelihood of impact to the protein; however, this information is not predictive enough to rule out pathogenicity. The variant occurs outside of the splicing consensus sequence and 1 of 5 in silico or computational prediction software programs (SpliceSiteFinder, MaxEntScan, NNSPLICE, GeneSplicer, HumanSpliceFinder) predict a greater than 10% difference in splicing; this is not very predictive of pathogenicity. In summary, based on the above information the clinical significance of this variant cannot be determined with certainty at this time although we would lean towards a more benign role for this variant. This variant is classified as likely benign.

Dr. Peter K. Rogan Lab, Western University
No classification provided (evidence only). Condition: Thyroid cancer, nonmedullary, 1. Review status: no classification provided. Collection method: in vitro. Allele origin: not applicable. Functional consequence: retained intron. Not counted in ClinVar's aggregate classification.

Dr. Peter K. Rogan Lab, Western University
No classification provided (evidence only). Condition: Hepatocellular carcinoma. Review status: no classification provided. Collection method: in vitro. Allele origin: not applicable. Functional consequence: retained intron. Not counted in ClinVar's aggregate classification.

Literature cited by the submitters: PubMed 34608183 (cited by Quest Diagnostics Nichols Institute San Juan Capistrano); PubMed 30287823 (cited by Quest Diagnostics Nichols Institute San Juan Capistrano); PubMed 26315354 (cited by Quest Diagnostics Nichols Institute San Juan Capistrano and Women's Health and Genetics/Laboratory Corporation of America, LabCorp); PubMed 30942098 (cited by Quest Diagnostics Nichols Institute San Juan Capistrano); PubMed 25712764 (cited by 3 submitters); PubMed 24349281 (cited by 3 submitters).

NM_002485.5(NBN):c.1809C>A (p.Phe603Leu)

Gene: NBN (nibrin; minus strand). Cytogenetic location: 8q21.3.
Variant type: single nucleotide variant.
Coding change: c.1809C>A on transcript NM_002485.5 (MANE Select); coding-DNA position 1809, C replaced by A.
Protein change: p.Phe603Leu; replaces phenylalanine 603 with leucine.
Molecular consequence: missense variant.
Genome position (GRCh38, 1-based): chr8:89,953,280, G>T on the plus strand (C>A on the coding strand, the complement: NBN is on the minus strand). VCF-style: chr8-89953280-G-T. GRCh37 (hg19) VCF-style: chr8-90965508-G-T.
Other names: c.1563C>A, p.Phe521Leu (NM_001024688.3); short protein forms F603L, F521L.
Identifiers: ClinVar variation 185174 (VCV000185174.38), dbSNP rs192236678, ClinGen allele CA191232.